The following is an entry in ClinVar:

NM_021267.5(CERS1):c.307G>T (p.Ala103Ser)

Genes: CERS1 (ceramide synthase 1; minus strand), GDF1 (growth differentiation factor 1; minus strand). Cytogenetic location: 19p13.11.
Variant type: single nucleotide variant.
Coding change: c.307G>T on transcript NM_021267.5 (MANE Select); coding-DNA position 307, G replaced by T.
Protein change: p.Ala103Ser; replaces alanine 103 with serine.
Molecular consequence: missense variant. On other transcripts: 5 prime UTR variant (2).
Genome position (GRCh38, 1-based): chr19:18,893,518, C>A on the plus strand (G>T on the coding strand, the complement: CERS1 is on the minus strand). VCF-style: chr19-18893518-C-A. GRCh37 (hg19) VCF-style: chr19-19004327-C-A.
Other names: c.13G>T, p.Ala5Ser (NM_001290265.2, NM_001387442.1, NM_001387443.1 and 2 more transcripts); c.307G>T, p.Ala103Ser (NM_001387439.1, NM_001387440.1, NM_001387441.1 and 1 more transcripts); c.-596G>T (NM_001387438.1); c.-1016G>T (NM_001492.6); short protein forms A5S, A103S.
Identifiers: ClinVar variation 1521314 (VCV001521314.8), dbSNP rs755528875, ClinGen allele CA306257029.

ClinVar aggregate classification (germline): Uncertain significance (1 of 4 stars; one submission).

Conditions:
Progressive myoclonic epilepsy type 8. Identifiers: Orphanet 424027, MedGen C5190825, MONDO:0014545, OMIM 616230.

gnomAD v4.1: 1 of 1,610,546 alleles (0.000062%); highest among the groups gnomAD compares: South Asian, 0.0011%; no homozygotes.

Submission:

Labcorp Genetics (formerly Invitae), Labcorp
Classification: Uncertain significance for Progressive myoclonic epilepsy type 8. Last evaluated: 2021-03-29. Review status: criteria provided, single submitter. Criteria: Invitae Variant Classification Sherloc (09022015). Collection method: clinical testing. Allele origin: germline.
Comment: This variant is not present in population databases (ExAC no frequency). This sequence change replaces alanine with serine at codon 103 of the CERS1 protein (p.Ala103Ser). The alanine residue is highly conserved and there is a moderate physicochemical difference between alanine and serine. This variant has not been reported in the literature in individuals with CERS1-related conditions. Algorithms developed to predict the effect of missense changes on protein structure and function are either unavailable or do not agree on the potential impact of this missense change (SIFT: "Tolerated"; PolyPhen-2: "Possibly Damaging"; Align-GVGD: "Class C15"). In summary, the available evidence is currently insufficient to determine the role of this variant in disease. Therefore, it has been classified as a Variant of Uncertain Significance.